The following is an entry in ClinVar:

NM_021930.6(RINT1):c.698A>G (p.Glu233Gly)

Gene: RINT1 (RAD50 interactor 1; plus strand). Cytogenetic location: 7q22.3.
Variant type: single nucleotide variant.
Coding change: c.698A>G on transcript NM_021930.6 (MANE Select); coding-DNA position 698, A replaced by G.
Protein change: p.Glu233Gly; replaces glutamic acid 233 with glycine.
Molecular consequence: missense variant. On other transcripts: 5 prime UTR variant (2), non-coding transcript variant (1), intron variant (1).
Genome position (GRCh38, 1-based): chr7:105,547,192, A>G. VCF-style: chr7-105547192-A-G. GRCh37 (hg19) VCF-style: chr7-105187639-A-G.
Other names: c.464A>G, p.Glu155Gly (NM_001346599.2); c.-322A>G (NM_001346600.2); c.-225A>G (NM_001346601.2); c.-27-2863A>G (NM_001346603.2); short protein forms E233G, E155G.
Identifiers: ClinVar variation 3433564 (VCV003433564.1).

ClinVar aggregate classification (germline): Uncertain significance (1 of 4 stars; one submission).

Submission:

Ambry Genetics
Classification: Uncertain significance. Last evaluated: 2024-11-25. Review status: criteria provided, single submitter. Criteria: Ambry Variant Classification Scheme 2023. Collection method: clinical testing. Allele origin: germline.
Comment: The p.E233G variant (also known as c.698A>G), located in coding exon 6 of the RINT1 gene, results from an A to G substitution at nucleotide position 698. The glutamic acid at codon 233 is replaced by glycine, an amino acid with similar properties. This amino acid position is conserved. In addition, the in silico prediction for this alteration is inconclusive. Based on the available evidence, the clinical significance of this variant remains unclear.